The following is an entry in ClinVar:

NM_018010.4(IFT57):c.520G>A (p.Glu174Lys)

Gene: IFT57 (intraflagellar transport 57; minus strand). Cytogenetic location: 3q13.13.
Variant type: single nucleotide variant.
Coding change: c.520G>A on transcript NM_018010.4 (MANE Select); coding-DNA position 520, G replaced by A.
Protein change: p.Glu174Lys; replaces glutamic acid 174 with lysine.
Molecular consequence: missense variant.
Genome position (GRCh38, 1-based): chr3:108,213,996, C>T on the plus strand (G>A on the coding strand, the complement: IFT57 is on the minus strand). VCF-style: chr3-108213996-C-T. GRCh37 (hg19) VCF-style: chr3-107932843-C-T.
Other names: short protein forms E174K.
Identifiers: ClinVar variation 2706206 (VCV002706206.3), dbSNP rs757688137, ClinGen allele CA353908145.
Genomic context (GRCh38, chr3:108,213,996, plus strand): 5'-ATTCTTCATCCACTTTATTTAATGTTAATTCTGCATCATCTTCTGCAACGCTTTCTTCTT[C>T]TAATTCTTCTACTGGGTATATTGGCCTAAAATAATAAGATTAAACATGAGGTGATAATTT-3'
Protein context (NP_060480.1, residues 164-184): KRPIYPVEEL[Glu174Lys]EESVAEDDAE

ClinVar aggregate classification (germline): Uncertain significance (1 of 4 stars; one submission).

Submission:

Labcorp Genetics (formerly Invitae), Labcorp
Classification: Uncertain significance. Last evaluated: 2024-12-30. Review status: criteria provided, single submitter. Criteria: Invitae Variant Classification Sherloc (09022015). Collection method: clinical testing. Allele origin: germline.
Comment: This sequence change replaces glutamic acid, which is acidic and polar, with lysine, which is basic and polar, at codon 174 of the IFT57 protein (p.Glu174Lys). This variant is not present in population databases (gnomAD no frequency). This variant has not been reported in the literature in individuals affected with IFT57-related conditions. ClinVar contains an entry for this variant (Variation ID: 2706206). An algorithm developed to predict the effect of missense changes on protein structure and function (PolyPhen-2) suggests that this variant is likely to be tolerated. In summary, the available evidence is currently insufficient to determine the role of this variant in disease. Therefore, it has been classified as a Variant of Uncertain Significance.